The following is an entry in ClinVar:

ClinVar aggregate classification (germline): Uncertain significance (1 of 4 stars; one submission).

Conditions:
Nemaline myopathy 8 (NEM8). Also called: Nemaline myopathy 8, autosomal recessive. Identifiers: Orphanet 171430, MedGen C3809209, MONDO:0014138, OMIM 615348.

Allele frequency attached by ClinVar (database versions not stated): gnomAD exomes 0.00001; TOPMed 0.00001; ExAC 0.00002; gnomAD 0.00002.
gnomAD v4.1: 12 of 1,614,034 alleles (0.00074%); highest among the groups gnomAD compares: Non-Finnish European, 0.00093%; no homozygotes.

Submission:

Labcorp Genetics (formerly Invitae), Labcorp
Classification: Uncertain significance for Nemaline myopathy 8. Last evaluated: 2022-09-07. Review status: criteria provided, single submitter. Criteria: Invitae Variant Classification Sherloc (09022015). Collection method: clinical testing. Allele origin: germline.
Comment: In summary, the available evidence is currently insufficient to determine the role of this variant in disease. Therefore, it has been classified as a Variant of Uncertain Significance. Algorithms developed to predict the effect of missense changes on protein structure and function (SIFT, PolyPhen-2, Align-GVGD) all suggest that this variant is likely to be tolerated. ClinVar contains an entry for this variant (Variation ID: 577365). This variant has not been reported in the literature in individuals affected with KLHL40-related conditions. This variant is present in population databases (rs761479692, gnomAD 0.002%). This sequence change replaces threonine, which is neutral and polar, with serine, which is neutral and polar, at codon 498 of the KLHL40 protein (p.Thr498Ser).

NM_152393.4(KLHL40):c.1493C>G (p.Thr498Ser)

Gene: KLHL40 (kelch like family member 40; plus strand). Cytogenetic location: 3p22.1.
Variant type: single nucleotide variant.
Coding change: c.1493C>G on transcript NM_152393.4 (MANE Select); coding-DNA position 1493, C replaced by G.
Protein change: p.Thr498Ser; replaces threonine 498 with serine.
Molecular consequence: missense variant.
Genome position (GRCh38, 1-based): chr3:42,688,940, C>G. VCF-style: chr3-42688940-C-G. GRCh37 (hg19) VCF-style: chr3-42730432-C-G.
Other names: short protein forms T498S.
Identifiers: ClinVar variation 577365 (VCV000577365.3), dbSNP rs761479692, ClinGen allele CA2336990.
Genomic context (GRCh38, chr3:42,688,940, plus strand): 5'-ACAAGATGTGCGTCTATGACCCCAAGAAGTTTGAGTGGAAGGAGCTGGCACCCATGCAGA[C>G]CGCCCGCTCACTCTTTGGGGCCACTGTCCATGATGGCCGCATTATCGTGGCAGCTGGGGT-3'
Protein context (NP_689606.2, residues 488-508): FEWKELAPMQ[Thr498Ser]ARSLFGATVH